The following is an entry in ClinVar:

NM_001848.3(COL6A1):c.1776+1G>A

Gene: COL6A1 (collagen type VI alpha 1 chain; plus strand). Cytogenetic location: 21q22.3.
Variant type: single nucleotide variant.
Coding change: c.1776+1G>A on transcript NM_001848.3 (MANE Select); the canonical splice donor site of the intron after coding-DNA position 1776, G replaced by A.
Molecular consequence: splice donor variant.
Genome position (GRCh38, 1-based): chr21:45,999,693, G>A. VCF-style: chr21-45999693-G-A. GRCh37 (hg19) VCF-style: chr21-47419607-G-A.
Other names: c.1776+1G>A (NM_001848.2).
Identifiers: ClinVar variation 3238762 (VCV003238762.2), dbSNP rs2123485173.

ClinVar aggregate classification (germline): Conflicting classifications of pathogenicity. Review status: criteria provided, conflicting classifications (1 of 4 stars). 2 submissions from 2 submitters: Likely pathogenic (1); Uncertain significance (1). Last evaluated 2025-03-31.

Conditions:
Inborn genetic diseases. Identifiers: MedGen C0950123, MeSH D030342.
Ullrich congenital muscular dystrophy 1A. Also called: Ullrich congenital muscular dystrophy 1; Intermediate COL6-RD. Identifiers: Orphanet 75840, MedGen C0410179, MONDO:0009681, OMIM 254090.

Allele frequency attached by ClinVar (database versions not stated): gnomAD exomes below 0.00001.
gnomAD v4.1: 3 of 1,612,142 alleles (0.00019%); highest among the groups gnomAD compares: South Asian, 0.0011%; no homozygotes.

Submissions (2):

Ambry Genetics
Classification: Uncertain significance for Inborn genetic diseases. Last evaluated: 2025-03-31. Review status: criteria provided, single submitter. Criteria: Ambry Variant Classification Scheme 2023. Collection method: clinical testing. Allele origin: germline.
Comment: The c.1776+1G>A intronic variant results from a G to A substitution one nucleotide after coding exon 27 of the COL6A1gene. Alterations that disrupt the canonical splice site are expected to result in aberrant splicing. The resulting transcript is predicted to be in-frame and is not expected to trigger nonsense-mediated mRNA decay, although direct evidence is unavailable. This alteration was flagged as a low confidence call in the Genome Aggregation Database (gnomAD). This variant has been identified in the homozygous state and/or in conjunction with other COL6A1 variant(s) in individual(s) with features consistent with COL6A1-related myopathy (Lampe, 2005). This nucleotide position is highly conserved in available vertebrate species. In silico splice site analysis predicts that this alteration will weaken the native splice donor site. Based on insufficient or conflicting evidence, the clinical significance of this alteration remains unclear.

Baylor Genetics
Classification: Likely pathogenic for Ullrich congenital muscular dystrophy 1A. Last evaluated: 2024-02-17. Review status: criteria provided, single submitter. Criteria: ACMG Guidelines, 2015. Collection method: clinical testing. Allele origin: unknown.

Literature cited by the submitters: PubMed 15689448 (cited by Ambry Genetics).